The following is an entry in ClinVar:

ClinVar aggregate classification (germline): Pathogenic/Likely pathogenic. Review status: criteria provided, multiple submitters, no conflicts (2 of 4 stars). 2 submissions from 2 submitters: Pathogenic (1); Likely pathogenic (1). Last evaluated 2024-07-05.

Conditions:
Congenital microvillous atrophy (DIAR2). Also called: MICROVILLUS ATROPHY, CONGENITAL; Microvillus inclusion disease; Diarrhea 2 with microvillus atrophy, with or without cholestasis; CONGENITAL FAMILIAL PROTRACTED DIARRHEA WITH ENTEROCYTE BRUSH-BORDER ABNORMALITIES; DAVIDSON DISEASE. Identifiers: Orphanet 2290, MedGen C0341306, MONDO:0009635, OMIM 251850.

Allele frequency attached by ClinVar (database versions not stated): TOPMed 0.00001.
gnomAD v4.1: 6 of 1,599,844 alleles (0.00038%); highest among the groups gnomAD compares: Non-Finnish European, 0.00051%; no homozygotes.

Submissions (2):

Aleixo Muise Laboratory, Hospital For Sick Children
Classification: Pathogenic for Congenital microvillous atrophy. Last evaluated: 2024-07-05. Review status: criteria provided, single submitter. Criteria: ACMG Guidelines, 2015. Collection method: research. Allele origin: inherited. Affected: yes. Observed: 2 variant alleles.
Comment: PS1;PM2;PM3;PP3;PP4

Rady Children's Institute for Genomic Medicine, Rady Children's Hospital San Diego
Classification: Likely pathogenic for DIARRHEA 2, WITH MICROVILLUS ATROPHY. Last evaluated: 2019-05-02. Review status: criteria provided, single submitter. Criteria: ACMG Guidelines, 2015. Collection method: clinical testing. Allele origin: germline. Affected: yes.
Comment: The c.1303G>A (p.Gly435Arg) variant has been previously reported as a heterozygous change in a patient with microvillus inclusion disease (PMID: 20186687). It is absent from the ExAC and gnomAD population databases and thus is presumed to be rare. The c.1303G>A variant affects a highly conserved amino acid and is predicted by multiple in silico tools to have a deleterious effect on protein function. Based on the available evidence, the c.1303G>A (p.Gly435Arg) variant is classified as Likely Pathogenic.

NM_001080467.3(MYO5B):c.947G>T (p.Gly316Val)

Gene: MYO5B (myosin VB; minus strand). Cytogenetic location: 18q21.1.
Variant type: single nucleotide variant.
Coding change: c.947G>T on transcript NM_001080467.3 (MANE Select); coding-DNA position 947, G replaced by T.
Protein change: p.Gly316Val; replaces glycine 316 with valine.
Molecular consequence: missense variant.
Genome position (GRCh38, 1-based): chr18:49,980,553, C>A on the plus strand (G>T on the coding strand, the complement: MYO5B is on the minus strand). VCF-style: chr18-49980553-C-A. GRCh37 (hg19) VCF-style: chr18-47506923-C-A.
Other names: short protein forms G316V.
Identifiers: ClinVar variation 986347 (VCV000986347.2), dbSNP rs971419104, ClinGen allele CA299986714.